The following is an entry in ClinVar:

ClinVar aggregate classification (germline): Uncertain significance (1 of 4 stars; one submission).

Conditions:
Neuroblastoma, susceptibility to, 3. Also called: ALK-Related Neuroblastic Tumor Susceptibility. Identifiers: Orphanet 635, MedGen C2751681, MONDO:0013083, OMIM 613014.

Submission:

Labcorp Genetics (formerly Invitae), Labcorp
Classification: Uncertain significance for Neuroblastoma, susceptibility to, 3. Last evaluated: 2019-06-24. Review status: criteria provided, single submitter. Criteria: Invitae Variant Classification Sherloc (09022015). Collection method: clinical testing. Allele origin: germline.
Comment: This variant has not been reported in the literature in individuals with ALK-related conditions. In summary, the available evidence is currently insufficient to determine the role of this variant in disease. Therefore, it has been classified as a Variant of Uncertain Significance. The current clinical and genetic evidence is not sufficient to establish whether loss-of-function variants in ALK cause disease. Algorithms developed to predict the effect of sequence changes on RNA splicing suggest that this variant may disrupt the consensus splice site, but this prediction has not been confirmed by published transcriptional studies. This variant is not present in population databases (ExAC no frequency). This sequence change affects an acceptor splice site in intron 8 of the ALK gene. It is expected to disrupt RNA splicing and likely results in an absent or disrupted protein product.

NM_004304.5(ALK):c.1648-1G>A

Gene: ALK (ALK receptor tyrosine kinase; minus strand). Cytogenetic location: 2p23.2.
Variant type: single nucleotide variant.
Coding change: c.1648-1G>A on transcript NM_004304.5 (MANE Select); the canonical splice acceptor site of the intron before coding-DNA position 1648, G replaced by A.
Molecular consequence: splice acceptor variant.
Genome position (GRCh38, 1-based): chr2:29,297,058, C>T on the plus strand (G>A on the coding strand, the complement: ALK is on the minus strand). VCF-style: chr2-29297058-C-T. GRCh37 (hg19) VCF-style: chr2-29519924-C-T.
Identifiers: ClinVar variation 937332 (VCV000937332.8), dbSNP rs1666209215, ClinGen allele CA346466725.